The following is an entry in ClinVar:

ClinVar aggregate classification (germline): Uncertain significance. Review status: criteria provided, multiple submitters, no conflicts (2 of 4 stars). 2 submissions from 2 submitters: Uncertain significance (2). Last evaluated 2025-05-03.

Conditions:
Primary ciliary dyskinesia. Also called: Ciliary dyskinesia. Identifiers: Orphanet 244, MedGen C0008780, MONDO:0016575, HP:0012265.

Allele frequency attached by ClinVar (database versions not stated): gnomAD 0.00001 and 0.00002; ESP Exome Variant Server 0.00008.
gnomAD v4.1: 79 of 1,613,910 alleles (0.0049%); highest among the groups gnomAD compares: Non-Finnish European, 0.0059%; no homozygotes.

Submissions (2):

Ambry Genetics
Classification: Uncertain significance for Primary ciliary dyskinesia. Last evaluated: 2025-05-03. Review status: criteria provided, single submitter. Criteria: Ambry Variant Classification Scheme 2023. Collection method: clinical testing. Allele origin: germline.
Comment: The p.N731S variant (also known as c.2192A>G), located in coding exon 13 of the CCDC40 gene, results from an A to G substitution at nucleotide position 2192. The asparagine at codon 731 is replaced by serine, an amino acid with highly similar properties. This amino acid position is conserved. In addition, this alteration is predicted to be tolerated by in silico analysis. Since supporting evidence is limited at this time, the clinical significance of this alteration remains unclear.

Labcorp Genetics (formerly Invitae), Labcorp
Classification: Uncertain significance for Primary ciliary dyskinesia. Last evaluated: 2022-08-16. Review status: criteria provided, single submitter. Criteria: Invitae Variant Classification Sherloc (09022015). Collection method: clinical testing. Allele origin: germline.
Comment: This sequence change replaces asparagine, which is neutral and polar, with serine, which is neutral and polar, at codon 731 of the CCDC40 protein (p.Asn731Ser). This variant is present in population databases (rs376612893, gnomAD 0.008%). This variant has not been reported in the literature in individuals affected with CCDC40-related conditions. ClinVar contains an entry for this variant (Variation ID: 960185). Algorithms developed to predict the effect of missense changes on protein structure and function (SIFT, PolyPhen-2, Align-GVGD) all suggest that this variant is likely to be tolerated. In summary, the available evidence is currently insufficient to determine the role of this variant in disease. Therefore, it has been classified as a Variant of Uncertain Significance.

NM_017950.4(CCDC40):c.2192A>G (p.Asn731Ser)

Gene: CCDC40 (coiled-coil domain 40 molecular ruler complex subunit; plus strand). Cytogenetic location: 17q25.3.
Variant type: single nucleotide variant.
Coding change: c.2192A>G on transcript NM_017950.4 (MANE Select); coding-DNA position 2192, A replaced by G.
Protein change: p.Asn731Ser; replaces asparagine 731 with serine.
Molecular consequence: missense variant.
Genome position (GRCh38, 1-based): chr17:80,084,945, A>G. VCF-style: chr17-80084945-A-G. GRCh37 (hg19) VCF-style: chr17-78058744-A-G.
Other names: c.2192A>G, p.Asn731Ser (NM_001243342.2); short protein forms N731S.
Identifiers: ClinVar variation 960185 (VCV000960185.10), dbSNP rs376612893, ClinGen allele CA8814129.